The following is an entry in ClinVar:

ClinVar aggregate classification (germline): Uncertain significance (1 of 4 stars; one submission).

Conditions:
Autosomal recessive limb-girdle muscular dystrophy type R18 (LGMDR18). Also called: Autosomal recessive limb-girdle muscular dystrophy type 2S; MUSCULAR DYSTROPHY, LIMB-GIRDLE, AUTOSOMAL RECESSIVE 18; Limb-girdle muscular dystrophy, type 2S. Identifiers: Orphanet 369840, MedGen C4517996, MONDO:0014144, OMIM 615356.

Submission:

Labcorp Genetics (formerly Invitae), Labcorp
Classification: Uncertain significance for Autosomal recessive limb-girdle muscular dystrophy type R18. Last evaluated: 2023-08-17. Review status: criteria provided, single submitter. Criteria: Invitae Variant Classification Sherloc (09022015). Collection method: clinical testing. Allele origin: germline.
Comment: This variant is not present in population databases (gnomAD no frequency). This sequence change replaces asparagine, which is neutral and polar, with lysine, which is basic and polar, at codon 369 of the TRAPPC11 protein (p.Asn369Lys). This variant has not been reported in the literature in individuals affected with TRAPPC11-related conditions. In summary, the available evidence is currently insufficient to determine the role of this variant in disease. Therefore, it has been classified as a Variant of Uncertain Significance. Advanced modeling of protein sequence and biophysical properties (such as structural, functional, and spatial information, amino acid conservation, physicochemical variation, residue mobility, and thermodynamic stability) performed at Invitae indicates that this missense variant is not expected to disrupt TRAPPC11 protein function. ClinVar contains an entry for this variant (Variation ID: 1962502).

NM_021942.6(TRAPPC11):c.1107C>G (p.Asn369Lys)

Gene: TRAPPC11 (trafficking protein particle complex subunit 11; plus strand). Cytogenetic location: 4q35.1.
Variant type: single nucleotide variant.
Coding change: c.1107C>G on transcript NM_021942.6 (MANE Select); coding-DNA position 1107, C replaced by G.
Protein change: p.Asn369Lys; replaces asparagine 369 with lysine.
Molecular consequence: missense variant.
Genome position (GRCh38, 1-based): chr4:183,680,261, C>G. VCF-style: chr4-183680261-C-G. GRCh37 (hg19) VCF-style: chr4-184601414-C-G.
Other names: c.1107C>G, p.Asn369Lys (NM_199053.3); short protein forms N369K.
Identifiers: ClinVar variation 1962502 (VCV001962502.4), dbSNP rs140959482, ClinGen allele CA358863647.